The following is an entry in ClinVar:

NM_001372044.2(SHANK3):c.1247C>T (p.Ser416Leu)

Gene: SHANK3 (SH3 and multiple ankyrin repeat domains 3; plus strand). Cytogenetic location: 22q13.33.
Variant type: single nucleotide variant.
Coding change: c.1247C>T on transcript NM_001372044.2 (MANE Select); coding-DNA position 1247, C replaced by T.
Protein change: p.Ser416Leu; replaces serine 416 with leucine.
Molecular consequence: missense variant.
Genome position (GRCh38, 1-based): chr22:50,684,643, C>T. VCF-style: chr22-50684643-C-T. GRCh37 (hg19) VCF-style: chr22-51123071-C-T.
Other names: p.Ser416Leu; short protein forms S416L.
Identifiers: ClinVar variation 3377524 (VCV003377524.2).
Genomic context (GRCh38, chr22:50,684,643, plus strand): 5'-AGGTGGCCATCATCGCAGGGAACTTTGAGCTTGCAGAGGTTATCAAGACCCACAAAGACT[C>T]GGATGTTGGTGAGTTCTGCCCACCTGGGCGACCCTGCTGAATGTAGATTCGTGTGGTTTT-3'
Protein context (NP_001358973.1, residues 406-426): LAEVIKTHKD[Ser416Leu]DVVPFRETPS

ClinVar aggregate classification (germline): Uncertain significance (1 of 4 stars; one submission).

Conditions:
Phelan-McDermid syndrome. Also called: TELOMERIC 22q13 MONOSOMY SYNDROME; Phelan-McDermid Syndrome-SHANK3 Related; 22q13.3 deletion syndrome. Identifiers: Orphanet 48652, MedGen C1853490, MONDO:0011652, OMIM 606232.

Submission:

Foundation for Research in Genetics and Endocrinology, FRIGE's Institute of Human Genetics
Classification: Uncertain significance for Phelan-McDermid syndrome. Last evaluated: 2024-09-24. Review status: criteria provided, single submitter. Criteria: ACMG Guidelines, 2015. Collection method: clinical testing. Allele origin: germline. Inheritance: Autosomal dominant inheritance. Affected: yes. Observed: 1 heterozygote.
Comment: A heterozygous missense variant in exon 11 of the SHANK3 gene that results in the amino acid substitution of Leucine for Serine at codon 416 was detected. The observed variant has not been reported in the 1000 genomes and gnomAD (v2.1) databases and has a minor allele frequency of 0.001%, 0.001% and 0.001% in the gnomAD (v3.1), topmed and in our internal databases respectively. The in-silico predictions of the variant is damaging by SIFT. The reference codon is conserved across species. In summary, the variant meets our criteria to be classified as variant of uncertain significance.